The following is an entry in ClinVar:

NM_000088.4(COL1A1):c.2343+18C>T

Gene: COL1A1 (collagen type I alpha 1 chain; minus strand). Cytogenetic location: 17q21.33.
Variant type: single nucleotide variant.
Coding change: c.2343+18C>T on transcript NM_000088.4 (MANE Select); 18 bases into the intron after coding-DNA position 2343, C replaced by T.
Molecular consequence: intron variant.
Genome position (GRCh38, 1-based): chr17:50,190,799, G>A on the plus strand (C>T on the coding strand, the complement: COL1A1 is on the minus strand). VCF-style: chr17-50190799-G-A. GRCh37 (hg19) VCF-style: chr17-48268160-G-A.
Identifiers: ClinVar variation 514912 (VCV000514912.7), dbSNP rs1050837911, ClinGen allele CA291543874.

ClinVar aggregate classification (germline): Likely benign. Review status: criteria provided, multiple submitters, no conflicts (2 of 4 stars). 2 submissions from 2 submitters: Likely benign (2). Last evaluated 2026-01-27.

Conditions:
Osteogenesis imperfecta type I (OI1). Also called: OI, TYPE I; OSTEOGENESIS IMPERFECTA TARDA; OSTEOGENESIS IMPERFECTA WITH BLUE SCLERAE; Osteogenesis imperfecta type 1; Classic Non-deforming Osteogenesis Imperfecta with Blue Sclerae; Lobstein's Disease. Identifiers: Orphanet 216796, Orphanet 666, MedGen C0023931, MONDO:0008146, OMIM 166200. Disease mechanism: loss of function.

Allele frequency attached by ClinVar (database versions not stated): gnomAD exomes below 0.00001 and 0.00001; gnomAD 0.00001; TOPMed 0.00002.
gnomAD v4.1: 12 of 1,594,990 alleles (0.00075%); highest among the groups gnomAD compares: African/African-American, 0.0027%; no homozygotes.

Submissions (2):

Labcorp Genetics (formerly Invitae), Labcorp
Classification: Likely benign for Osteogenesis imperfecta type I. Last evaluated: 2026-01-27. Review status: criteria provided, single submitter. Criteria: Invitae Variant Classification Sherloc (09022015). Collection method: clinical testing. Allele origin: germline.

GeneDx
Classification: Likely benign. Last evaluated: 2018-01-16. Review status: criteria provided, single submitter. Criteria: GeneDx Variant Classification (06012015). Collection method: clinical testing. Allele origin: germline. Affected: yes.
Comment: This variant is considered likely benign or benign based on one or more of the following criteria: it is a conservative change, it occurs at a poorly conserved position in the protein, it is predicted to be benign by multiple in silico algorithms, and/or has population frequency not consistent with disease.